The following is an entry in ClinVar:

ClinVar aggregate classification (germline): Uncertain significance. Review status: criteria provided, multiple submitters, no conflicts (2 of 4 stars). 2 submissions from 2 submitters: Uncertain significance (2). Last evaluated 2025-03-29.

Conditions:
Bethlem myopathy 1A. Also called: Bethlem Muscular Dystrophy; MYOPATHY, BENIGN CONGENITAL, WITH CONTRACTURES; Bethlem myopathy 1. Identifiers: Orphanet 610, MedGen CN029274, MONDO:0024530, OMIM 158810.

Allele frequency attached by ClinVar (database versions not stated): TOPMed below 0.00001; gnomAD 0.00001.
gnomAD v4.1: 12 of 1,609,590 alleles (0.00075%); highest among the groups gnomAD compares: Non-Finnish European, 0.001%; no homozygotes.

Submissions (2):

Labcorp Genetics (formerly Invitae), Labcorp
Classification: Uncertain significance for Bethlem myopathy 1A. Last evaluated: 2025-03-29. Review status: criteria provided, single submitter. Criteria: Invitae Variant Classification Sherloc (09022015). Collection method: clinical testing. Allele origin: germline.
Comment: This sequence change replaces serine, which is neutral and polar, with asparagine, which is neutral and polar, at codon 2822 of the COL6A3 protein (p.Ser2822Asn). This variant is present in population databases (no rsID available, gnomAD 0.007%). This variant has not been reported in the literature in individuals affected with COL6A3-related conditions. ClinVar contains an entry for this variant (Variation ID: 497154). Experimental studies and prediction algorithms are not available or were not evaluated, and the functional significance of this variant is currently unknown. In summary, the available evidence is currently insufficient to determine the role of this variant in disease. Therefore, it has been classified as a Variant of Uncertain Significance.

Eurofins Ntd Llc (ga)
Classification: Uncertain significance. Last evaluated: 2016-09-29. Review status: criteria provided, single submitter. Criteria: EGL Classification Definitions 2015. Collection method: clinical testing. Allele origin: germline. Observed: 1 variant allele, 1 heterozygote.

NM_004369.4(COL6A3):c.8465G>A (p.Ser2822Asn)

Gene: COL6A3 (collagen type VI alpha 3 chain; minus strand). Cytogenetic location: 2q37.3.
Variant type: single nucleotide variant.
Coding change: c.8465G>A on transcript NM_004369.4 (MANE Select); coding-DNA position 8465, G replaced by A.
Protein change: p.Ser2822Asn; replaces serine 2822 with asparagine.
Molecular consequence: missense variant.
Genome position (GRCh38, 1-based): chr2:237,339,117, C>T on the plus strand (G>A on the coding strand, the complement: COL6A3 is on the minus strand). VCF-style: chr2-237339117-C-T. GRCh37 (hg19) VCF-style: chr2-238247760-C-T.
Other names: c.6644G>A, p.Ser2215Asn (NM_057166.5); c.7847G>A, p.Ser2616Asn (NM_057167.4); short protein forms S2822N, S2215N, S2616N.
Identifiers: ClinVar variation 497154 (VCV000497154.7), dbSNP rs1334499975, ClinGen allele CA351193117.